The following is an entry in ClinVar:

NM_000038.6(APC):c.4770del (p.Ala1591fs)

Gene: APC (APC regulator of Wnt signaling pathway; plus strand). Cytogenetic location: 5q22.2.
Variant type: Deletion.
Coding change: c.4770del on transcript NM_000038.6 (MANE Select); coding-DNA position 4770, one base deleted (A; older notation c.4770delA).
Protein change: p.Ala1591fs; shifts the reading frame from alanine 1591.
Molecular consequence: frameshift variant.
Genome position (GRCh38, 1-based): chr5:112,840,364, A deleted; the last of 3 consecutive A bases (chr5:112,840,362-112,840,364); deleting any one gives the same sequence. VCF-style (leftmost placement, unchanged base first): chr5-112840361-TA-T. GRCh37 (hg19) VCF-style: chr5-112176058-TA-T.
Other names: c.4770del, p.Ala1591fs (NM_001127510.3, NM_001354895.2); c.4716del, p.Ala1573fs (NM_001127511.3); c.4824del, p.Ala1609fs (NM_001354896.2); c.4800del, p.Ala1601fs (NM_001354897.2); c.4695del, p.Ala1566fs (NM_001354898.2); c.4686del, p.Ala1563fs (NM_001354899.2); c.4647del, p.Ala1550fs (NM_001354900.2); c.4593del, p.Ala1532fs (NM_001354901.2); and 5 more; short protein forms A1500fs, A1573fs, A1308fs, A1431fs, A1465fs, A1550fs, A1601fs, A1609fs.
Identifiers: ClinVar variation 486781 (VCV000486781.5), dbSNP rs1554086182, ClinGen allele CA658655952.

ClinVar aggregate classification (germline): Pathogenic (1 of 4 stars; one submission).

Conditions:
Hereditary cancer-predisposing syndrome. Also called: Tumor predisposition; Hereditary Cancer Syndrome; Hereditary neoplastic syndrome; Neoplastic Syndromes, Hereditary. Identifiers: Orphanet 140162, MedGen C0027672, MeSH D009386, MONDO:0015356.

Submission:

Ambry Genetics
Classification: Pathogenic for Hereditary cancer-predisposing syndrome. Last evaluated: 2017-04-19. Review status: criteria provided, single submitter. Criteria: Ambry Variant Classification Scheme 2023. Collection method: clinical testing. Allele origin: germline.
Comment: The c.4770delA pathogenic mutation, located in coding exon 15 of the APC gene, results from a deletion of one nucleotide at nucleotide position 4770, causing a translational frameshift with a predicted alternate stop codon (p.A1591Qfs*59). This alteration is expected to result in loss of function by premature protein truncation. As such, this alteration is interpreted as a disease-causing mutation.